The following is an entry in ClinVar:

NM_001303.4(COX10):c.524C>G (p.Ala175Gly)

Gene: COX10 (cytochrome c oxidase assembly factor heme A:farnesyltransferase COX10; plus strand). Cytogenetic location: 17p12.
Variant type: single nucleotide variant.
Coding change: c.524C>G on transcript NM_001303.4 (MANE Select); coding-DNA position 524, C replaced by G.
Protein change: p.Ala175Gly; replaces alanine 175 with glycine.
Molecular consequence: missense variant.
Genome position (GRCh38, 1-based): chr17:14,102,142, C>G. VCF-style: chr17-14102142-C-G. GRCh37 (hg19) VCF-style: chr17-14005459-C-G.
Other names: short protein forms A175G.
Identifiers: ClinVar variation 1899210 (VCV001899210.5), dbSNP rs141466324, ClinGen allele CA8402350.

ClinVar aggregate classification (germline): Uncertain significance (1 of 4 stars; one submission).

gnomAD v4.1: 29 of 1,613,592 alleles (0.0018%); highest among the groups gnomAD compares: Admixed American, 0.013%; no homozygotes.

Submission:

Labcorp Genetics (formerly Invitae), Labcorp
Classification: Uncertain significance. Last evaluated: 2022-07-21. Review status: criteria provided, single submitter. Criteria: Invitae Variant Classification Sherloc (09022015). Collection method: clinical testing. Allele origin: germline.
Comment: This variant has not been reported in the literature in individuals affected with COX10-related conditions. The frequency data for this variant in the population databases is considered unreliable, as metrics indicate poor data quality at this position in the gnomAD database. This sequence change replaces alanine, which is neutral and non-polar, with glycine, which is neutral and non-polar, at codon 175 of the COX10 protein (p.Ala175Gly). Algorithms developed to predict the effect of missense changes on protein structure and function are either unavailable or do not agree on the potential impact of this missense change (SIFT: "Tolerated"; PolyPhen-2: "Probably Damaging"; Align-GVGD: "Class C0"). In summary, the available evidence is currently insufficient to determine the role of this variant in disease. Therefore, it has been classified as a Variant of Uncertain Significance.